The following is an entry in ClinVar:

ClinVar aggregate classification (germline): Uncertain significance (1 of 4 stars; one submission).

Allele frequency attached by ClinVar (database versions not stated): gnomAD exomes below 0.00001.
gnomAD v4.1: 1 of 1,612,870 alleles (0.000062%); highest among the groups gnomAD compares: Non-Finnish European, 0.000085%; no homozygotes.

Submission:

Labcorp Genetics (formerly Invitae), Labcorp
Classification: Uncertain significance. Last evaluated: 2022-07-25. Review status: criteria provided, single submitter. Criteria: Invitae Variant Classification Sherloc (09022015). Collection method: clinical testing. Allele origin: germline.
Comment: In summary, the available evidence is currently insufficient to determine the role of this variant in disease. Therefore, it has been classified as a Variant of Uncertain Significance. Algorithms developed to predict the effect of missense changes on protein structure and function are either unavailable or do not agree on the potential impact of this missense change (SIFT: "Deleterious"; PolyPhen-2: "Possibly Damaging"; Align-GVGD: "Class C0"). ClinVar contains an entry for this variant (Variation ID: 953319). This variant has not been reported in the literature in individuals affected with MYH9-related conditions. This variant is not present in population databases (gnomAD no frequency). This sequence change replaces glutamine, which is neutral and polar, with histidine, which is basic and polar, at codon 1700 of the MYH9 protein (p.Gln1700His).

NM_002473.6(MYH9):c.5100G>C (p.Gln1700His)

Gene: MYH9 (myosin heavy chain 9; minus strand). Cytogenetic location: 22q12.3.
Variant type: single nucleotide variant.
Coding change: c.5100G>C on transcript NM_002473.6 (MANE Select); coding-DNA position 5100, G replaced by C.
Protein change: p.Gln1700His; replaces glutamine 1700 with histidine.
Molecular consequence: missense variant.
Genome position (GRCh38, 1-based): chr22:36,285,915, C>G on the plus strand (G>C on the coding strand, the complement: MYH9 is on the minus strand). VCF-style: chr22-36285915-C-G. GRCh37 (hg19) VCF-style: chr22-36681961-C-G.
Other names: short protein forms Q1700H.
Identifiers: ClinVar variation 953319 (VCV000953319.9), dbSNP rs2016572846, ClinGen allele CA411374234.